The following is an entry in ClinVar:

NM_001378454.1(ALMS1):c.1349_1350del (p.Glu450fs)

Gene: ALMS1 (ALMS1 centrosome and basal body associated protein; plus strand). Cytogenetic location: 2p13.1.
Variant type: Microsatellite.
Coding change: c.1349_1350del on transcript NM_001378454.1 (MANE Select); coding-DNA positions 1349 to 1350, 2 bases deleted (AG; older notation c.1349_1350delAG).
Protein change: p.Glu450fs; shifts the reading frame from glutamic acid 450.
Molecular consequence: frameshift variant.
Genome position (GRCh38, 1-based): chr2:73,432,208-73,432,209, AG deleted; deleting any 2 consecutive bases within chr2:73,432,204-73,432,209 gives the same sequence; the c. name uses the placement nearest the transcript's 3' end. VCF-style (leftmost placement, unchanged base first): chr2-73432203-AAG-A. GRCh37 (hg19) VCF-style: chr2-73659331-AAG-A.
Other names: c.1352_1353del, p.Glu451fs (NM_015120.4); short protein forms E451fs, E450fs.
Identifiers: ClinVar variation 1972309 (VCV001972309.5), dbSNP rs2466062942, ClinGen allele CA2580611657.

ClinVar aggregate classification (germline): Pathogenic (1 of 4 stars; one submission).

Conditions:
Alstrom syndrome (ALMS). Identifiers: Orphanet 64, MedGen C0268425, MONDO:0008763, OMIM 203800.

Submission:

Labcorp Genetics (formerly Invitae), Labcorp
Classification: Pathogenic for Alstrom syndrome. Last evaluated: 2022-05-11. Review status: criteria provided, single submitter. Criteria: Invitae Variant Classification Sherloc (09022015). Collection method: clinical testing. Allele origin: germline.
Comment: This sequence change creates a premature translational stop signal (p.Glu451Valfs*16) in the ALMS1 gene. It is expected to result in an absent or disrupted protein product. Loss-of-function variants in ALMS1 are known to be pathogenic (PMID: 17594715). For these reasons, this variant has been classified as Pathogenic. This variant has not been reported in the literature in individuals affected with ALMS1-related conditions. This variant is not present in population databases (gnomAD no frequency).

Literature cited by the submitters: PubMed 17594715.